The following is an entry in ClinVar:

ClinVar aggregate classification (germline): Uncertain significance (1 of 4 stars; one submission).

gnomAD v4.1: 2 of 1,613,772 alleles (0.00012%); highest among the groups gnomAD compares: Admixed American, 0.0017%; no homozygotes.

Submission:

Dasa
Classification: Uncertain significance. Last evaluated: 2025-04-30. Review status: criteria provided, single submitter. Criteria: DASA Assertion Criteria. Collection method: clinical testing. Allele origin: germline.
Comment: NM_001008216.2(GALE):c.601C>T (p.Pro201Ser) is a missense variant that results in the substitution of proline with serine. This variant is rare in population databases. Computational prediction algorithms are consistent with a deleterious effect. The currently available literature and clinical evidence are not sufficient to establish a definitive association between this variant and the reported condition. Therefore, this variant is classified as a variant of uncertain significance.

NM_001008216.2(GALE):c.601C>T (p.Pro201Ser)

Gene: GALE (UDP-galactose-4-epimerase; minus strand). Cytogenetic location: 1p36.11.
Variant type: single nucleotide variant.
Coding change: c.601C>T on transcript NM_001008216.2 (MANE Select); coding-DNA position 601, C replaced by T.
Protein change: p.Pro201Ser; replaces proline 201 with serine.
Molecular consequence: missense variant.
Genome position (GRCh38, 1-based): chr1:23,797,075, G>A on the plus strand (C>T on the coding strand, the complement: GALE is on the minus strand). VCF-style: chr1-23797075-G-A. GRCh37 (hg19) VCF-style: chr1-24123565-G-A.
Other names: c.601C>T, p.Pro201Ser (NM_000403.4, NM_001127621.2); short protein forms P201S.
Identifiers: ClinVar variation 4881738 (VCV004881738.2).